The following is an entry in ClinVar:

ClinVar aggregate classification (germline): Uncertain significance (1 of 4 stars; one submission).

Conditions:
Familial thoracic aortic aneurysm and aortic dissection (TAAD). Also called: Thoracic aortic aneurysms and dissections. Identifiers: Orphanet 91387, MedGen C4707243, MONDO:0019625.

Allele frequency attached by ClinVar (database versions not stated): TOPMed 0.00001.
gnomAD v4.1: 1 of 1,614,242 alleles (0.000062%); highest among the groups gnomAD compares: Non-Finnish European, 0.000085%; no homozygotes.

Submission:

Ambry Genetics
Classification: Uncertain significance for Familial thoracic aortic aneurysm and aortic dissection. Last evaluated: 2016-04-15. Review status: criteria provided, single submitter. Criteria: Ambry Variant Classification Scheme 2023. Collection method: clinical testing. Allele origin: germline.
Comment: The c.3831+5G>A intronic variant results from a G to A substitution 5 nucleotides downstream of coding exon 19 in the MYLK gene. This variant was not reported in population based cohorts in the following databases: Database of Single Nucleotide Polymorphisms (dbSNP), NHLBI Exome Sequencing Project (ESP), and 1000 Genomes Project. In the ESP, this variant was not observed in 6503 samples (13006 alleles) with coverage at this position. This nucleotide position is highly conserved in available vertebrate species. Using the BDGP and ESEfinder splice site prediction tools, this alteration is predicted to weaken the efficiency of the native splice donor site; however, direct evidence is unavailable. Since supporting evidence is limited at this time, the clinical significance of this variant remains unclear.

NM_053025.4(MYLK):c.3831+5G>A

Gene: MYLK (myosin light chain kinase; minus strand). Cytogenetic location: 3q21.1.
Variant type: single nucleotide variant.
Coding change: c.3831+5G>A on transcript NM_053025.4 (MANE Select); 5 bases into the intron after coding-DNA position 3831, G replaced by A.
Molecular consequence: intron variant.
Genome position (GRCh38, 1-based): chr3:123,666,214, C>T on the plus strand (G>A on the coding strand, the complement: MYLK is on the minus strand). VCF-style: chr3-123666214-C-T. GRCh37 (hg19) VCF-style: chr3-123385061-C-T.
Other names: c.3303+5G>A (NM_001321309.2); c.3624+5G>A (NM_053028.4, NM_053026.4); c.3831+5G>A (NM_053027.4).
Identifiers: ClinVar variation 519977 (VCV000519977.5), dbSNP rs1198605932, ClinGen allele CA658796358.